The following is an entry in ClinVar:

ClinVar aggregate classification (germline): Uncertain significance. Review status: criteria provided, multiple submitters, no conflicts (2 of 4 stars). 2 submissions from 2 submitters: Uncertain significance (2). Last evaluated 2026-05-31.

Conditions:
TCOF1-related disorder. Also called: TCOF1-related condition.
Treacher Collins syndrome 1 (TCS1). Also called: TCOF1-Related Treacher Collins Syndrome. Identifiers: Orphanet 861, MedGen CN315775, MONDO:0007944, OMIM 154500.

Allele frequency attached by ClinVar (database versions not stated): TOPMed 0.00001.
gnomAD v4.1: 2 of 1,614,154 alleles (0.00012%); highest among the groups gnomAD compares: Admixed American, 0.0033%; no homozygotes.

Submissions (2):

PreventionGenetics, part of Exact Sciences
Classification: Uncertain significance for TCOF1-related condition. Last evaluated: 2026-05-31. Review status: criteria provided, single submitter. Criteria: ACMG Guidelines, 2015. Collection method: clinical testing. Allele origin: germline.
Comment: The TCOF1 c.293C>T variant is predicted to result in the amino acid substitution p.Thr98Ile. To our knowledge, this variant has not been reported in the literature. This variant is reported in 0.0058% of alleles in individuals of Latino descent in gnomAD. At this time, the clinical significance of this variant is uncertain due to the absence of conclusive functional and genetic evidence.

Labcorp Genetics (formerly Invitae), Labcorp
Classification: Uncertain significance for Treacher Collins syndrome 1. Last evaluated: 2024-01-15. Review status: criteria provided, single submitter. Criteria: Invitae Variant Classification Sherloc (09022015). Collection method: clinical testing. Allele origin: germline.
Comment: This sequence change replaces threonine, which is neutral and polar, with isoleucine, which is neutral and non-polar, at codon 98 of the TCOF1 protein (p.Thr98Ile). This variant is present in population databases (rs762986105, gnomAD 0.006%). This variant has not been reported in the literature in individuals affected with TCOF1-related conditions. ClinVar contains an entry for this variant (Variation ID: 2100611). Advanced modeling of protein sequence and biophysical properties (such as structural, functional, and spatial information, amino acid conservation, physicochemical variation, residue mobility, and thermodynamic stability) performed at Invitae indicates that this missense variant is not expected to disrupt TCOF1 protein function with a negative predictive value of 80%. In summary, the available evidence is currently insufficient to determine the role of this variant in disease. Therefore, it has been classified as a Variant of Uncertain Significance.

NM_001371623.1(TCOF1):c.293C>T (p.Thr98Ile)

Gene: TCOF1 (treacle ribosome biogenesis factor 1; plus strand). Cytogenetic location: 5q32.
Variant type: single nucleotide variant.
Coding change: c.293C>T on transcript NM_001371623.1 (MANE Select); coding-DNA position 293, C replaced by T.
Protein change: p.Thr98Ile; replaces threonine 98 with isoleucine.
Molecular consequence: missense variant.
Genome position (GRCh38, 1-based): chr5:150,364,241, C>T. VCF-style: chr5-150364241-C-T. GRCh37 (hg19) VCF-style: chr5-149743804-C-T.
Other names: c.293C>T, p.Thr98Ile (NM_000356.4, NM_001008657.3, NM_001135243.2 and 3 more transcripts); c.293C>T (NM_001135243.1); short protein forms T98I.
Identifiers: ClinVar variation 2100611 (VCV002100611.5), dbSNP rs762986105, ClinGen allele CA3510509.
Genomic context (GRCh38, chr5:150,364,241, plus strand): 5'-TGTCAGACCCCATCAGCACCTCGGAGAGCTCGGAAGAGGAGGAAGAAGCAGAAGCCGAAA[C>T]CGCCAAAGCCAGTAAGAGCCTTGCAGCTTTGGGAACAGGCTATGGAATATTGATTGTTCT-3'
Protein context (NP_001358552.1, residues 88-108): SEEEEEAEAE[Thr98Ile]AKATPRLAST